The following is an entry in ClinVar:

ClinVar aggregate classification (germline): Conflicting classifications of pathogenicity. Review status: criteria provided, conflicting classifications (1 of 4 stars). 4 submissions from 3 submitters: Likely pathogenic (2); Uncertain significance (2). Last evaluated 2025-08-08.

Conditions:
ABCA4-related disorder. Also called: ABCA4-related condition; ABCA4-related disorders. Identifiers: MedGen CN239167.
Retinal dystrophy. Also called: Inherited retinal dystrophy. Identifiers: Orphanet 71862, MedGen C0854723, MeSH D058499, MONDO:0019118, HP:0000556.
Severe early-childhood-onset retinal dystrophy (STGD1). Also called: Stargardt macular dystrophy; Juvenile onset macular degeneration; Stargardt disease 1; STGD; MACULAR DYSTROPHY WITH FLECKS, TYPE 1. Identifiers: Orphanet 364055, Orphanet 827, MedGen C1855465, MeSH D000080362, MONDO:0009549, OMIM 248200.

Allele frequency attached by ClinVar (database versions not stated): gnomAD exomes 0.00001 and 0.00002.
gnomAD v4.1: 26 of 1,614,172 alleles (0.0016%); highest among the groups gnomAD compares: Non-Finnish European, 0.0021%; no homozygotes.

Submissions (4):

PreventionGenetics, part of Exact Sciences
Classification: Uncertain significance for ABCA4-related condition. Last evaluated: 2025-08-08. Review status: criteria provided, single submitter. Criteria: ACMG Guidelines, 2015. Collection method: clinical testing. Allele origin: germline.
Comment: The ABCA4 c.4347G>T variant is predicted to result in the amino acid substitution p.Trp1449Cys. This variant has been reported along with a second ABCA4 variant in individuals with Stargardt disease or cone/cone-rod dystrophy (Table S1, Birtel et al. 2018. PubMed ID: 29555955; Table S10, Khan et al. 2020. PubMed ID: 32307445; Supplementary Table 1, Jauregui et al. 2020. PubMedID: 32298433 ;Table S2, Cornelis et al. 2022. PubMed ID: 35120629). This variant has been reported in individuals with Stargardt disease or ABCA4-related retinopathy (Schulz et al. 2017. PubMed ID: 28118664; Müller et al. 2017. PubMedID: 27414126); however, additional genetic or patient information was not provided, or a second ABCA4 variant was not identified. This variant is reported in 0.0062% of alleles in individuals of African descent in gnomAD. Although we suspect that this variant may be pathogenic, at this time, the clinical significance of this variant is uncertain due to the absence of conclusive functional and genetic evidence.

Blueprint Genetics
Classification: Uncertain significance. Last evaluated: 2021-09-27. Review status: criteria provided, single submitter. Criteria: ACMG Guidelines, 2015. Collection method: clinical testing. Allele origin: germline.

Institute of Human Genetics, Univ. Regensburg, Univ. Regensburg
Classification: Likely pathogenic for Severe early-childhood-onset retinal dystrophy. Last evaluated: 2016-01-01. Review status: criteria provided, single submitter. Criteria: Schulz et al. (Invest Ophthalmol Vis Sci. 2017). Collection method: clinical testing. Allele origin: germline. Affected: yes. Observed: 1 heterozygote.

Institute of Human Genetics, Univ. Regensburg, Univ. Regensburg
Classification: Likely pathogenic for Retinal dystrophy. Last evaluated: 2010-01-01. Review status: criteria provided, single submitter. Criteria: ACMG Guidelines, 2015. Collection method: clinical testing. Allele origin: germline. Affected: yes.

Literature cited by the submitters: PubMed 28118664 (cited by Institute of Human Genetics, Univ. Regensburg, Univ. Regensburg); PubMed 29555955 (cited by Institute of Human Genetics, Univ. Regensburg, Univ. Regensburg); PubMed 31964843 (cited by Institute of Human Genetics, Univ. Regensburg, Univ. Regensburg); PubMed 32307445 (cited by Institute of Human Genetics, Univ. Regensburg, Univ. Regensburg).

NM_000350.3(ABCA4):c.4347G>T (p.Trp1449Cys)

Gene: ABCA4 (ATP binding cassette subfamily A member 4; minus strand). Cytogenetic location: 1p22.1.
Variant type: single nucleotide variant.
Coding change: c.4347G>T on transcript NM_000350.3 (MANE Select); coding-DNA position 4347, G replaced by T.
Protein change: p.Trp1449Cys; replaces tryptophan 1449 with cysteine.
Molecular consequence: missense variant.
Genome position (GRCh38, 1-based): chr1:94,030,433, C>A on the plus strand (G>T on the coding strand, the complement: ABCA4 is on the minus strand). VCF-style: chr1-94030433-C-A. GRCh37 (hg19) VCF-style: chr1-94495989-C-A.
Other names: c.4125G>T, p.Trp1375Cys (NM_001425324.1); short protein forms W1449C, W1375C.
Identifiers: ClinVar variation 236112 (VCV000236112.5), dbSNP rs886044741, ClinGen allele CA10602430.
Genomic context (GRCh38, chr1:94,030,433, plus strand): 5'-TTGGGTCCTCCCAGGGGAGCTAGTCTTCTTAGGACAGGGGCGCGTAGGCACTTACGGAAG[C>A]CACCCTTCCTTCAGGCAGCGGTTGCCAAAGCCTGGCTTATTCAGGAGGACGTCTGCAAGT-3'
Protein context (NP_000341.2, residues 1439-1459): GFGNRCLKEG[Trp1449Cys]LPEYPCGNST